The following is an entry in ClinVar:

ClinVar aggregate classification (germline): Uncertain significance (1 of 4 stars; one submission).

Submission:

Labcorp Genetics (formerly Invitae), Labcorp
Classification: Uncertain significance. Last evaluated: 2023-07-19. Review status: criteria provided, single submitter. Criteria: Invitae Variant Classification Sherloc (09022015). Collection method: clinical testing. Allele origin: germline.
Comment: In summary, the available evidence is currently insufficient to determine the role of this variant in disease. Therefore, it has been classified as a Variant of Uncertain Significance. Advanced modeling of protein sequence and biophysical properties (such as structural, functional, and spatial information, amino acid conservation, physicochemical variation, residue mobility, and thermodynamic stability) performed at Invitae indicates that this missense variant is not expected to disrupt RNF113A protein function. This variant has not been reported in the literature in individuals affected with RNF113A-related conditions. This variant is present in population databases (no rsID available, gnomAD 0.008%). This sequence change replaces serine, which is neutral and polar, with threonine, which is neutral and polar, at codon 268 of the RNF113A protein (p.Ser268Thr).

NM_006978.3(RNF113A):c.803G>C (p.Ser268Thr)

Gene: RNF113A (ring finger protein 113A; minus strand). Cytogenetic location: Xq24.
Variant type: single nucleotide variant.
Coding change: c.803G>C on transcript NM_006978.3 (MANE Select); coding-DNA position 803, G replaced by C.
Protein change: p.Ser268Thr; replaces serine 268 with threonine.
Molecular consequence: missense variant.
Genome position (GRCh38, 1-based): chrX:119,870,811, C>G on the plus strand (G>C on the coding strand, the complement: RNF113A is on the minus strand). VCF-style: chrX-119870811-C-G. GRCh37 (hg19) VCF-style: chrX-119004774-C-G.
Other names: short protein forms S268T.
Identifiers: ClinVar variation 2893822 (VCV002893822.3), dbSNP rs1288131591, ClinGen allele CA414186827.